The following is an entry in ClinVar:

NM_206933.4(USH2A):c.9920G>A (p.Cys3307Tyr)

Gene: USH2A (usherin; minus strand). Cytogenetic location: 1q41.
Variant type: single nucleotide variant.
Coding change: c.9920G>A on transcript NM_206933.4 (MANE Select); coding-DNA position 9920, G replaced by A.
Protein change: p.Cys3307Tyr; replaces cysteine 3307 with tyrosine.
Molecular consequence: missense variant.
Genome position (GRCh38, 1-based): chr1:215,798,945, C>T on the plus strand (G>A on the coding strand, the complement: USH2A is on the minus strand). VCF-style: chr1-215798945-C-T. GRCh37 (hg19) VCF-style: chr1-215972287-C-T.
Other names: c.9920G>A (NM_206933.2); short protein forms C3307Y.
Identifiers: ClinVar variation 1358888 (VCV001358888.12), dbSNP rs983763783, ClinGen allele CA37448504.

ClinVar aggregate classification (germline): Conflicting classifications of pathogenicity. Review status: criteria provided, conflicting classifications (1 of 4 stars). 6 submissions from 6 submitters: Pathogenic (1); Likely pathogenic (4); Uncertain significance (1). Last evaluated 2025-11-10.

Conditions:
USH2A-related disorder. Also called: USH2A-related disorders; USH2A-related condition. Identifiers: MedGen CN239332.
Usher syndrome type 2A. Also called: USHER SYNDROME, TYPE IIA; RETINAL DISEASE IN USHER SYNDROME TYPE IIA, MODIFIER OF. Identifiers: Orphanet 231178, Orphanet 886, MedGen C1848634, MONDO:0010169, OMIM 276901.
Usher syndrome. Also called: Usher Syndromes; Usher's syndrome. Identifiers: Orphanet 886, MedGen CN469326, MeSH D052245, MONDO:0019501. Disease mechanism: loss of function.

Allele frequency attached by ClinVar (database versions not stated): gnomAD exomes below 0.00001; gnomAD 0.00001.
gnomAD v4.1: 2 of 1,613,944 alleles (0.00012%); highest among the groups gnomAD compares: Admixed American, 0.0017%; no homozygotes.

Submissions (6):

Dasa
Classification: Uncertain significance. Last evaluated: 2025-11-10. Review status: criteria provided, single submitter. Criteria: DASA Assertion Criteria. Collection method: clinical testing. Allele origin: germline.
Comment: NM_206933.4(USH2A):c.9920G>A (p.Cys3307Tyr) is a missense variant that results in the substitution of cysteine with tyrosine. The affected residue or protein region has prior evidence supporting clinical relevance. This variant has been reported in individuals with USH2A-related disorders (PMID: 26667666). Also, this variant is rare in population databases. The currently available literature and clinical evidence are not sufficient to establish a definitive association between this variant and the reported condition. Therefore, this variant is classified as a variant of uncertain significance.

Women's Health and Genetics/Laboratory Corporation of America, LabCorp
Classification: Likely pathogenic for Usher syndrome. Last evaluated: 2024-11-22. Review status: criteria provided, single submitter. Criteria: LabCorp Variant Classification Summary - May 2015. Collection method: clinical testing. Allele origin: germline.
Comment: Variant summary: USH2A c.9920G>A (p.Cys3307Tyr) results in a non-conservative amino acid change located in the Fibronectin type-III domain of the encoded protein sequence. Four of five in-silico tools predict a damaging effect of the variant on protein function. The variant was absent in 251302 control chromosomes. c.9920G>A has been reported in the literature in individuals affected with Usher Syndrome (Stone_2017, Internal data). A different variant affecting this residue (p.Cys3307Trp) has been classified pathogenic. To our knowledge, no experimental evidence demonstrating an impact on protein function has been reported. The following publications have been ascertained in the context of this evaluation (PMID: 28559085, No_PMID). ClinVar contains an entry for this variant (Variation ID: 1358888). Based on the evidence outlined above, the variant was classified as likely pathogenic.

Natera, Inc.
Classification: Likely pathogenic for Usher syndrome type 2A. Last evaluated: 2024-09-11. Review status: criteria provided, single submitter. Criteria: Natera Variant Classification Schema (03/2026). Collection method: clinical testing. Allele origin: germline.
Comment: The c.9920G>A variant in USH2A is a missense variant predicted to cause substitution of cysteine to tyrosine at amino acid 3307. This variant is rare in the general population with a frequency below the threshold expected for the associated phenotype(s). This variant has been observed in one or more individuals affected with the associated recessive disease, as either homozygous or compound heterozygous with a second variant (PMID: 28559085). A different variant at the same position has been determined to be Pathogenic or Likely Pathogenic. Computational prediction algorithms indicate this variant is likely to affect gene or protein function. Given the available evidence, this variant is classified as Likely Pathogenic.

Labcorp Genetics (formerly Invitae), Labcorp
Classification: Pathogenic. Last evaluated: 2023-09-21. Review status: criteria provided, single submitter. Criteria: Invitae Variant Classification Sherloc (09022015). Collection method: clinical testing. Allele origin: germline.
Comment: For these reasons, this variant has been classified as Pathogenic. This variant disrupts the p.Cys3307 amino acid residue in USH2A. Other variant(s) that disrupt this residue have been determined to be pathogenic (PMID: 26667666; Invitae). This suggests that this residue is clinically significant, and that variants that disrupt this residue are likely to be disease-causing. Advanced modeling of protein sequence and biophysical properties (such as structural, functional, and spatial information, amino acid conservation, physicochemical variation, residue mobility, and thermodynamic stability) performed at Invitae indicates that this missense variant is expected to disrupt USH2A protein function. ClinVar contains an entry for this variant (Variation ID: 1358888). This missense change has been observed in individuals with retinitis pigmentosa (PMID: 28559085; Invitae). This variant is not present in population databases (gnomAD no frequency). This sequence change replaces cysteine, which is neutral and slightly polar, with tyrosine, which is neutral and polar, at codon 3307 of the USH2A protein (p.Cys3307Tyr).

Blueprint Genetics
Classification: Likely pathogenic for USH2A-related disorders. Last evaluated: 2022-06-10. Review status: criteria provided, single submitter. Criteria: ACMG Guidelines, 2015. Collection method: clinical testing. Allele origin: germline. Affected: yes. Observed: 1 variant allele.

Mendelics
Classification: Likely pathogenic for Usher syndrome type 2A. Last evaluated: 2022-05-04. Review status: criteria provided, single submitter. Criteria: Mendelics Assertion Criteria 2019. Collection method: clinical testing. Allele origin: germline.

Literature cited by the submitters: PubMed 26667666 (cited by Dasa and Labcorp Genetics (formerly Invitae), Labcorp); PubMed 28559085 (cited by 3 submitters).